The following is an entry in ClinVar:

NM_003120.3(SPI1):c.493+55C>A

Gene: SPI1 (Spi-1 proto-oncogene; minus strand). Cytogenetic location: 11p11.2.
Variant type: single nucleotide variant.
Coding change: c.493+55C>A on transcript NM_003120.3 (MANE Select); 55 bases into the intron after coding-DNA position 493, C replaced by A.
Molecular consequence: intron variant.
Genome position (GRCh38, 1-based): chr11:47,358,789, G>T on the plus strand (C>A on the coding strand, the complement: SPI1 is on the minus strand). VCF-style: chr11-47358789-G-T. GRCh37 (hg19) VCF-style: chr11-47380340-G-T.
Other names: c.496+55C>A (NM_001080547.2).
Identifiers: ClinVar variation 2687986 (VCV002687986.2), dbSNP rs3740688, ClinGen allele CA5975468.
Genomic context (GRCh38, chr11:47,358,789, plus strand): 5'-ACACACACACACGCGACTCGGTGGCGTGGCTGCTGGGTCAGTTGGCCTGGCTGGGTGGGG[G>T]CAGGGCACAGACACGGCCAGGGTCGGGGCCAGGGTGGAGGGCCAGGTGCCCCACCTGTCT-3'

ClinVar aggregate classification (germline): Benign (1 of 4 stars; one submission).

Allele frequency attached by ClinVar (database versions not stated): gnomAD 0.60447; TOPMed 0.60892; ExAC 0.63175; 1000 Genomes Project 30x 0.63898; 1000 Genomes Project 0.63918.
gnomAD v4.1: 862,890 of 1,528,708 alleles (56%); highest among the groups gnomAD compares: African/African-American, 73%; 245,703 homozygotes.

Submission:

Unidad de Genómica Garrahan, Hospital de Pediatría Garrahan
Classification: Benign. Last evaluated: 2024-01-24. Review status: criteria provided, single submitter. Criteria: ACMG Guidelines, 2015. Collection method: clinical testing. Allele origin: germline. Affected: no. Observed: 73 variant alleles.
Comment: This variant is classified as Benign based on local population frequency. This variant was detected in 77% of patients studied by a panel of primary immunodeficiencies. Number of patients: 73. Only high quality variants are reported.